The following is an entry in ClinVar:

NM_000092.5(COL4A4):c.2447G>T (p.Gly816Val)

Gene: COL4A4 (collagen type IV alpha 4 chain; minus strand). Cytogenetic location: 2q36.3.
Variant type: single nucleotide variant.
Coding change: c.2447G>T on transcript NM_000092.5 (MANE Select); coding-DNA position 2447, G replaced by T.
Protein change: p.Gly816Val; replaces glycine 816 with valine.
Molecular consequence: missense variant.
Genome position (GRCh38, 1-based): chr2:227,057,537, C>A on the plus strand (G>T on the coding strand, the complement: COL4A4 is on the minus strand). VCF-style: chr2-227057537-C-A. GRCh37 (hg19) VCF-style: chr2-227922253-C-A.
Other names: short protein forms G816V.
Identifiers: ClinVar variation 4817306 (VCV004817306.1).

ClinVar aggregate classification (germline): Likely pathogenic (1 of 4 stars; one submission).

Conditions:
Alport syndrome. Also called: Hemorrhagic familial nephritis; Hemorrhagic hereditary nephritis; Congenital hereditary hematuria. Identifiers: Orphanet 63, MedGen C1567741, MONDO:0018965.

gnomAD v4.1: 6 of 1,614,004 alleles (0.00037%); highest among the groups gnomAD compares: Non-Finnish European, 0.00051%; no homozygotes.

Submission:

Natera, Inc.
Classification: Likely pathogenic for Alport syndrome. Last evaluated: 2025-09-18. Review status: criteria provided, single submitter. Criteria: Natera Variant Classification Schema (03/2026). Collection method: clinical testing. Allele origin: germline.
Comment: The c.2447G>T variant in COL4A4 is a missense variant predicted to cause substitution of glycine to valine at amino acid 816. The frequency of this variant in the general population is greater than expected for disorder. This variant is located in a functionally critical region of the protein. A different variant at the same position has been determined to be Pathogenic or Likely Pathogenic. Computational prediction algorithms indicate this variant is likely to affect gene or protein function. Given the available evidence, this variant is classified as Likely Pathogenic.